The following is an entry in ClinVar:

NM_001111125.3(IQSEC2):c.1712G>T (p.Gly571Val)

Gene: IQSEC2 (IQ motif and Sec7 domain ArfGEF 2; minus strand). Cytogenetic location: Xp11.22.
Variant type: single nucleotide variant.
Coding change: c.1712G>T on transcript NM_001111125.3 (MANE Select); coding-DNA position 1712, G replaced by T.
Protein change: p.Gly571Val; replaces glycine 571 with valine.
Molecular consequence: missense variant.
Genome position (GRCh38, 1-based): chrX:53,250,864, C>A on the plus strand (G>T on the coding strand, the complement: IQSEC2 is on the minus strand). VCF-style: chrX-53250864-C-A. GRCh37 (hg19) VCF-style: chrX-53280046-C-A.
Other names: c.1712G>T, p.Gly571Val (NM_001410736.1); c.1097G>T, p.Gly366Val (NM_015075.2); short protein forms G571V, G366V.
Identifiers: ClinVar variation 2854471 (VCV002854471.3), dbSNP rs1569302404, ClinGen allele CA413164381.

ClinVar aggregate classification (germline): Uncertain significance (1 of 4 stars; one submission).

Conditions:
Intellectual developmental disorder, X-linked 1. Also called: Atkin Flaitz Patil Smith syndrome; Intellectual disability, X-linked 1; MENTAL RETARDATION, X-LINKED 18; MENTAL RETARDATION, X-LINKED 78. Identifiers: Orphanet 777, MedGen C2931498, MONDO:0010656, OMIM 309530.

Allele frequency attached by ClinVar (database versions not stated): TOPMed below 0.00001.

Submission:

Labcorp Genetics (formerly Invitae), Labcorp
Classification: Uncertain significance for Intellectual developmental disorder, X-linked 1. Last evaluated: 2023-04-09. Review status: criteria provided, single submitter. Criteria: Invitae Variant Classification Sherloc (09022015). Collection method: clinical testing. Allele origin: germline.
Comment: This sequence change replaces glycine, which is neutral and non-polar, with valine, which is neutral and non-polar, at codon 571 of the IQSEC2 protein (p.Gly571Val). This variant is not present in population databases (gnomAD no frequency). This variant has not been reported in the literature in individuals affected with IQSEC2-related conditions. Advanced modeling of protein sequence and biophysical properties (such as structural, functional, and spatial information, amino acid conservation, physicochemical variation, residue mobility, and thermodynamic stability) performed at Invitae indicates that this missense variant is not expected to disrupt IQSEC2 protein function. In summary, the available evidence is currently insufficient to determine the role of this variant in disease. Therefore, it has been classified as a Variant of Uncertain Significance.